The following is an entry in ClinVar:

ClinVar aggregate classification (germline): Likely pathogenic (1 of 4 stars; one submission).

Submission:

Labcorp Genetics (formerly Invitae), Labcorp
Classification: Likely pathogenic. Last evaluated: 2024-01-10. Review status: criteria provided, single submitter. Criteria: Invitae Variant Classification Sherloc (09022015). Collection method: clinical testing. Allele origin: germline.
Comment: This sequence change affects an acceptor splice site in intron 10 of the CDH23 gene. It is expected to disrupt RNA splicing. Variants that disrupt the donor or acceptor splice site typically lead to a loss of protein function (PMID: 16199547), and loss-of-function variants in CDH23 are known to be pathogenic (PMID: 11138009, 21940737). This variant is not present in population databases (gnomAD no frequency). This variant has not been reported in the literature in individuals affected with CDH23-related conditions. Algorithms developed to predict the effect of sequence changes on RNA splicing suggest that this variant may disrupt the consensus splice site. In summary, the currently available evidence indicates that the variant is pathogenic, but additional data are needed to prove that conclusively. Therefore, this variant has been classified as Likely Pathogenic.

Literature cited by the submitters: PubMed 16199547; PubMed 11138009; PubMed 21940737.

NM_022124.6(CDH23):c.946-1G>A

Gene: CDH23 (cadherin related 23; plus strand). Cytogenetic location: 10q22.1.
Variant type: single nucleotide variant.
Coding change: c.946-1G>A on transcript NM_022124.6 (MANE Select); the canonical splice acceptor site of the intron before coding-DNA position 946, G replaced by A.
Molecular consequence: splice acceptor variant.
Genome position (GRCh38, 1-based): chr10:71,617,204, G>A. VCF-style: chr10-71617204-G-A. GRCh37 (hg19) VCF-style: chr10-73376961-G-A.
Other names: c.946-1G>A (NM_001171930.2, NM_001171931.2, NM_052836.4 and 1 more transcripts).
Identifiers: ClinVar variation 2708640 (VCV002708640.3), dbSNP rs1244897846, ClinGen allele CA377121837.